The following is an entry in ClinVar:

ClinVar aggregate classification (germline): Uncertain significance (1 of 4 stars; one submission).

Allele frequency attached by ClinVar (database versions not stated): gnomAD 0.00003; gnomAD exomes 0.00005; ExAC 0.00014.

Submission:

Labcorp Genetics (formerly Invitae), Labcorp
Classification: Uncertain significance. Last evaluated: 2023-11-25. Review status: criteria provided, single submitter. Criteria: Invitae Variant Classification Sherloc (09022015). Collection method: clinical testing. Allele origin: germline.
Comment: This sequence change replaces proline, which is neutral and non-polar, with histidine, which is basic and polar, at codon 173 of the SPRY4 protein (p.Pro173His). This variant is present in population databases (rs757117255, gnomAD 0.1%), and has an allele count higher than expected for a pathogenic variant. This variant has not been reported in the literature in individuals affected with SPRY4-related conditions. An algorithm developed to predict the effect of missense changes on protein structure and function (PolyPhen-2) suggests that this variant is likely to be disruptive. In summary, the available evidence is currently insufficient to determine the role of this variant in disease. Therefore, it has been classified as a Variant of Uncertain Significance.

NM_001127496.3(SPRY4):c.449C>A (p.Pro150His)

Gene: SPRY4 (sprouty RTK signaling antagonist 4; minus strand). Cytogenetic location: 5q31.3.
Variant type: single nucleotide variant.
Coding change: c.449C>A on transcript NM_001127496.3 (MANE Select); coding-DNA position 449, C replaced by A.
Protein change: p.Pro150His; replaces proline 150 with histidine.
Molecular consequence: missense variant.
Genome position (GRCh38, 1-based): chr5:142,314,660, G>T on the plus strand (C>A on the coding strand, the complement: SPRY4 is on the minus strand). VCF-style: chr5-142314660-G-T. GRCh37 (hg19) VCF-style: chr5-141694225-G-T.
Other names: c.449C>A, p.Pro150His (NM_001293289.3, NM_001293290.3); c.518C>A, p.Pro173His (NM_030964.5); short protein forms P150H, P173H.
Identifiers: ClinVar variation 2903373 (VCV002903373.3), dbSNP rs757117255, ClinGen allele CA3485546.